The following is an entry in ClinVar:

ClinVar aggregate classification (germline): Likely benign. Review status: criteria provided, multiple submitters, no conflicts (2 of 4 stars). 8 submissions from 6 submitters: Likely benign (6). 2 of the submissions do not count toward it. Last evaluated 2024-05-06.

Conditions:
Leber congenital amaurosis (LCA). Also called: Leber's amaurosis. Identifiers: Orphanet 65, MedGen C0339527, MeSH D057130, MONDO:0018998.
CRB1-related disorder. Also called: CRB1-related condition; CRB1-related disorders.
Leber congenital amaurosis 8 (LCA8). Identifiers: Orphanet 65, MedGen C3151202, MONDO:0013453, OMIM 613835.
Retinitis pigmentosa 12 (RP12). Also called: RP WITH OR WITHOUT PPRPE; RP WITH OR WITHOUT PRESERVED PARAARTERIOLE RETINAL PIGMENT EPITHELIUM; RETINITIS PIGMENTOSA WITH OR WITHOUT PARAARTERIOLAR PRESERVATION OF RETINAL PIGMENT EPITHELIUM. Identifiers: Orphanet 791, MedGen C1838647, MONDO:0010818, OMIM 600105.
Pigmented paravenous retinochoroidal atrophy. Identifiers: Orphanet 251295, MedGen C1868310, MONDO:0008246, OMIM 172870.

Allele frequency attached by ClinVar (database versions not stated): TOPMed 0.00002; ExAC 0.00004; gnomAD exomes 0.00004.
gnomAD v4.1: 64 of 1,614,036 alleles (0.004%); highest among the groups gnomAD compares: Middle Eastern, 0.016%; no homozygotes.

Submissions (8):

Labcorp Genetics (formerly Invitae), Labcorp
Classification: Likely benign for Leber congenital amaurosis 8; Retinitis pigmentosa 12. Last evaluated: 2024-05-06. Review status: criteria provided, single submitter. Criteria: Invitae Variant Classification Sherloc (09022015). Collection method: clinical testing. Allele origin: germline.

Blueprint Genetics
Classification: Likely benign. Last evaluated: 2024-01-09. Review status: criteria provided, single submitter. Criteria: ACMG Guidelines, 2015. Collection method: clinical testing. Allele origin: germline.

Genome-Nilou Lab
Classification: Likely benign for Leber congenital amaurosis 8. Last evaluated: 2023-04-11. Review status: criteria provided, single submitter. Criteria: ACMG Guidelines, 2015. Collection method: clinical testing. Allele origin: germline. Affected: no.

Genome-Nilou Lab
Classification: Likely benign for Pigmented paravenous retinochoroidal atrophy. Last evaluated: 2023-04-11. Review status: criteria provided, single submitter. Criteria: ACMG Guidelines, 2015. Collection method: clinical testing. Allele origin: germline. Affected: no.

Genome-Nilou Lab
Classification: Likely benign for Retinitis pigmentosa 12. Last evaluated: 2023-04-11. Review status: criteria provided, single submitter. Criteria: ACMG Guidelines, 2015. Collection method: clinical testing. Allele origin: germline. Affected: no.

ARUP Laboratories, Molecular Genetics and Genomics, ARUP Laboratories
Classification: Likely benign. Last evaluated: 2019-02-23. Review status: criteria provided, single submitter. Criteria: ARUP Molecular Germline Variant Investigation Process. Collection method: clinical testing. Allele origin: germline.

Natera, Inc.
Classification: Uncertain significance for Leber congenital amaurosis. Last evaluated: 2020-01-17. Review status: no assertion criteria provided. Collection method: clinical testing. Allele origin: germline. Not counted in ClinVar's aggregate classification.

PreventionGenetics, part of Exact Sciences
Classification: Likely benign for CRB1-related condition. Last evaluated: 2019-11-26. Review status: no assertion criteria provided. Collection method: clinical testing. Allele origin: germline. Not counted in ClinVar's aggregate classification.
Comment: This variant is classified as likely benign based on ACMG/AMP sequence variant interpretation guidelines (Richards et al. 2015 PMID: 25741868, with internal and published modifications).

NM_201253.3(CRB1):c.1014C>A (p.Ile338=)

Gene: CRB1 (crumbs cell polarity complex component 1; plus strand). Cytogenetic location: 1q31.3.
Variant type: single nucleotide variant.
Coding change: c.1014C>A on transcript NM_201253.3 (MANE Select); coding-DNA position 1014, C replaced by A.
Protein change: p.Ile338=; no amino-acid change (isoleucine 338 retained).
Molecular consequence: synonymous variant. On other transcripts: non-coding transcript variant (2).
Genome position (GRCh38, 1-based): chr1:197,356,856, C>A. VCF-style: chr1-197356856-C-A. GRCh37 (hg19) VCF-style: chr1-197325986-C-A.
Other names: c.678C>A, p.Ile226= (NM_001193640.2); c.807C>A, p.Ile269= (NM_001257965.2); c.1014C>A, p.Ile338= (NM_001257966.2).
Identifiers: ClinVar variation 733582 (VCV000733582.23), dbSNP rs771549675, ClinGen allele CA1311782.